The following is an entry in ClinVar:

ClinVar aggregate classification (germline): Benign/Likely benign. Review status: criteria provided, multiple submitters, no conflicts (2 of 4 stars). 3 submissions from 3 submitters: Benign (2); Likely benign (1). Last evaluated 2026-01-28.

Conditions:
Primary ciliary dyskinesia 16. Also called: CILIARY DYSKINESIA, PRIMARY, 16, WITH OR WITHOUT SITUS INVERSUS. Identifiers: Orphanet 244, MedGen C3151460, MONDO:0013525, OMIM 614017.

Allele frequency attached by ClinVar (database versions not stated): gnomAD exomes 0.00056 and 0.00166; ExAC 0.00197; gnomAD 0.00635 and 0.00668; ESP Exome Variant Server 0.00638; TOPMed 0.00695; 1000 Genomes Project 0.00899; 1000 Genomes Project 30x 0.00984.
gnomAD v4.1: 1,799 of 1,577,616 alleles (0.11%); highest among the groups gnomAD compares: African/African-American, 2.2%; 16 homozygotes.

Submissions (3):

Labcorp Genetics (formerly Invitae), Labcorp
Classification: Benign for Primary ciliary dyskinesia 16. Last evaluated: 2026-01-28. Review status: criteria provided, single submitter. Criteria: Invitae Variant Classification Sherloc (09022015). Collection method: clinical testing. Allele origin: germline.

Blueprint Genetics
Classification: Likely benign. Last evaluated: 2024-11-11. Review status: criteria provided, single submitter. Criteria: ACMG Guidelines, 2015. Collection method: clinical testing. Allele origin: germline.

Mayo Clinic Laboratories, Mayo Clinic
Classification: Benign. Last evaluated: 2023-10-31. Review status: criteria provided, single submitter. Criteria: ACMG Guidelines, 2015. Collection method: clinical testing. Allele origin: germline. Observed: 4 variant alleles.
Comment: BS1, BS2, BP5

NM_031427.4(DNAL1):c.391+9A>G

Gene: DNAL1 (dynein axonemal light chain 1; plus strand). Cytogenetic location: 14q24.3.
Variant type: single nucleotide variant.
Coding change: c.391+9A>G on transcript NM_031427.4 (MANE Select); 9 bases into the intron after coding-DNA position 391, A replaced by G.
Molecular consequence: intron variant.
Genome position (GRCh38, 1-based): chr14:73,687,394, A>G. VCF-style: chr14-73687394-A-G. GRCh37 (hg19) VCF-style: chr14-74154097-A-G.
Other names: p.?; c.274+9A>G (NM_001201366.2).
Identifiers: ClinVar variation 241618 (VCV000241618.14), dbSNP rs149911093, ClinGen allele CA7261484.